The following is an entry in ClinVar:

ClinVar aggregate classification (germline): Conflicting classifications of pathogenicity. Review status: criteria provided, conflicting classifications (1 of 4 stars). 8 submissions from 6 submitters: Uncertain significance (5); Likely benign (3). Last evaluated 2025-12-23.

Conditions:
Charcot-Marie-Tooth disease type 2D (CMT2D). Also called: CHARCOT-MARIE-TOOTH DISEASE, NEURONAL, TYPE 2D; Charcot-Marie-Tooth Neuropathy Type 2D; CHARCOT-MARIE-TOOTH DISEASE, AXONAL, TYPE 2D; GARS1 Adolescent- or Early Adult-Onset Hereditary Motor/Sensory Neuropathy (GARS1-HMSN). Identifiers: Orphanet 99938, MedGen C1832274, MONDO:0011091, OMIM 601472.
GARS1-related disorder. Also called: GARS1-related condition.
Distal spinal muscular atrophy. Also called: Distal hereditary motor neuronopathy; Distal hereditary motor neuropathy. Identifiers: Orphanet 53739, MedGen C0393541, MONDO:0018894.
Neuronopathy, distal hereditary motor, type 5A (HMND5). Also called: DHMN VA; Distal Spinal Muscular Atrophy V; NEURONOPATHY, DISTAL HEREDITARY MOTOR, AUTOSOMAL DOMINANT 5; Distal Spinal Muscular Atrophy V (dSMA-V). Identifiers: Orphanet 139536, MedGen CN031873, MONDO:0015353, OMIM 600794.
Charcot-Marie-Tooth disease type 2. Also called: Charcot-Marie-Tooth type 2. Identifiers: Orphanet 64746, MedGen C0270914, MONDO:0018993.

Allele frequency attached by ClinVar (database versions not stated): ExAC 0.00001; gnomAD 0.00003; gnomAD exomes 0.00004; TOPMed 0.00006.
gnomAD v4.1: 81 of 1,612,102 alleles (0.005%); highest among the groups gnomAD compares: Non-Finnish European, 0.0065%; no homozygotes.

Submissions (8):

Labcorp Genetics (formerly Invitae), Labcorp
Classification: Likely benign for Charcot-Marie-Tooth disease type 2. Last evaluated: 2025-12-23. Review status: criteria provided, single submitter. Criteria: Invitae Variant Classification Sherloc (09022015). Collection method: clinical testing. Allele origin: germline.

PreventionGenetics, part of Exact Sciences
Classification: Likely benign for GARS1-related condition. Last evaluated: 2025-11-26. Review status: criteria provided, single submitter. Criteria: ACMG Guidelines, 2015. Collection method: clinical testing. Allele origin: germline.
Comment: This variant is classified as likely benign based on ACMG/AMP sequence variant interpretation guidelines (Richards et al. 2015 PMID: 25741868, with internal and published modifications).

Department of Pathology and Laboratory Medicine, Sinai Health System
Classification: Uncertain significance for Charcot-Marie-Tooth disease type 2D. Last evaluated: 2022-10-03. Review status: criteria provided, single submitter. Criteria: ACMG Guidelines, 2015. Collection method: research. Allele origin: germline.

Ambry Genetics
Classification: Likely benign. Last evaluated: 2022-04-19. Review status: criteria provided, single submitter. Criteria: Ambry Variant Classification Scheme 2023. Collection method: clinical testing. Allele origin: germline.

Illumina Laboratory Services, Illumina
Classification: Uncertain significance for Distal hereditary motor neuronopathy type 5. Last evaluated: 2018-01-12. Review status: criteria provided, single submitter. Criteria: ICSL Variant Classification Criteria 13 December 2019. Collection method: clinical testing. Allele origin: germline.

Illumina Laboratory Services, Illumina
Classification: Uncertain significance for Distal Spinal Muscular Atrophy. Last evaluated: 2018-01-12. Review status: criteria provided, single submitter. Criteria: ICSL Variant Classification Criteria 13 December 2019. Collection method: clinical testing. Allele origin: germline.

Illumina Laboratory Services, Illumina
Classification: Uncertain significance for Charcot-Marie-Tooth disease type 2D. Last evaluated: 2018-01-12. Review status: criteria provided, single submitter. Criteria: ICSL Variant Classification Criteria 13 December 2019. Collection method: clinical testing. Allele origin: germline.

Athena Diagnostics
Classification: Uncertain significance. Last evaluated: 2017-01-18. Review status: criteria provided, single submitter. Criteria: Athena Diagnostics Criteria. Collection method: clinical testing. Allele origin: germline.

NM_002047.4(GARS1):c.882-4A>G

Gene: GARS1 (glycyl-tRNA synthetase 1; plus strand). Cytogenetic location: 7p14.3.
Variant type: single nucleotide variant.
Coding change: c.882-4A>G on transcript NM_002047.4 (MANE Select); 4 bases into the intron before coding-DNA position 882, A replaced by G.
Molecular consequence: intron variant.
Genome position (GRCh38, 1-based): chr7:30,612,092, A>G. VCF-style: chr7-30612092-A-G. GRCh37 (hg19) VCF-style: chr7-30651708-A-G.
Other names: c.882-4A>G (LRG_243t1, NM_002047.3); c.720-4A>G (NM_001316772.1).
Identifiers: ClinVar variation 360009 (VCV000360009.17), dbSNP rs778219649, ClinGen allele CA4205852.